The following is an entry in ClinVar:

ClinVar aggregate classification (germline): Benign. Review status: criteria provided, multiple submitters, no conflicts (2 of 4 stars). 3 submissions from 3 submitters: Benign (3). Last evaluated 2024-03-05.

Allele frequency attached by ClinVar (database versions not stated): gnomAD exomes 0.00261 and 0.00121; gnomAD 0.00564 and 0.00569; 1000 Genomes Project 0.00759; 1000 Genomes Project 30x 0.00828; ESP Exome Variant Server 0.00623; ExAC 0.00287; TOPMed 0.00628.
gnomAD v4.1: 2,684 of 1,576,684 alleles (0.17%); highest among the groups gnomAD compares: African/African-American, 1.9%; 18 homozygotes.

Submissions (3):

Mayo Clinic Laboratories, Mayo Clinic
Classification: Benign. Last evaluated: 2024-03-05. Review status: criteria provided, single submitter. Criteria: ACMG Guidelines, 2015. Collection method: clinical testing. Allele origin: germline. Observed: 3 variant alleles.
Comment: BS1, BS2, BP4, BP7

Labcorp Genetics (formerly Invitae), Labcorp
Classification: Benign. Last evaluated: 2019-12-31. Review status: criteria provided, single submitter. Criteria: Invitae Variant Classification Sherloc (09022015). Collection method: clinical testing. Allele origin: germline.

Breakthrough Genomics
Classification: Benign. Review status: criteria provided, single submitter. Criteria: ACMG Guidelines, 2015. Collection method: not provided. Allele origin: germline. Inheritance: Autosomal recessive inheritance. Affected: yes.

NM_001135254.2(PAX7):c.807C>T (p.Arg269=)

Gene: PAX7 (paired box 7; plus strand). Cytogenetic location: 1p36.13.
Variant type: single nucleotide variant.
Coding change: c.807C>T on transcript NM_001135254.2 (MANE Select); coding-DNA position 807, C replaced by T.
Protein change: p.Arg269=; no amino-acid change (arginine 269 retained).
Molecular consequence: synonymous variant.
Genome position (GRCh38, 1-based): chr1:18,700,673, C>T. VCF-style: chr1-18700673-C-T. GRCh37 (hg19) VCF-style: chr1-19027167-C-T.
Other names: p.Arg269=; c.807C>T, p.Arg269= (NM_002584.3); c.801C>T, p.Arg267= (NM_013945.3).
Identifiers: ClinVar variation 727192 (VCV000727192.6), dbSNP rs34360058, ClinGen allele CA645796.
Genomic context (GRCh38, chr1:18,700,673, plus strand): 5'-CTGGCCGAGGGGTCTCCATTCTCTGCTCTCCACCTCCCAGGTCTGGTTCAGTAACCGCCG[C>T]GCCCGTTGGCGTAAGCAGGCAGGAGCCAACCAGCTGGCGGCGTTCAACCACCTTCTGCCA-3'
Protein context (NP_001128726.1, residues 259-279): ARVQVWFSNR[Arg269=]ARWRKQAGAN